The following is an entry in ClinVar:

ClinVar aggregate classification (germline): Uncertain significance (1 of 4 stars; one submission).

Allele frequency attached by ClinVar (database versions not stated): gnomAD exomes below 0.00001; ExAC 0.00001; gnomAD 0.00001.
gnomAD v4.1: 1 of 1,603,878 alleles (0.000062%); highest among the groups gnomAD compares: African/African-American, 0.0013%; no homozygotes.

Submission:

Labcorp Genetics (formerly Invitae), Labcorp
Classification: Uncertain significance. Last evaluated: 2023-08-04. Review status: criteria provided, single submitter. Criteria: Invitae Variant Classification Sherloc (09022015). Collection method: clinical testing. Allele origin: germline.
Comment: In summary, the available evidence is currently insufficient to determine the role of this variant in disease. Therefore, it has been classified as a Variant of Uncertain Significance. Variants that disrupt the consensus splice site are a relatively common cause of aberrant splicing (PMID: 17576681, 9536098). Algorithms developed to predict the effect of sequence changes on RNA splicing suggest that this variant may disrupt the consensus splice site. ClinVar contains an entry for this variant (Variation ID: 1503223). This variant has not been reported in the literature in individuals affected with ADGRV1-related conditions. The frequency data for this variant in the population databases is considered unreliable, as metrics indicate poor data quality at this position in the gnomAD database. This sequence change falls in intron 27 of the ADGRV1 gene. It does not directly change the encoded amino acid sequence of the ADGRV1 protein. It affects a nucleotide within the consensus splice site.

Literature cited by the submitters: PubMed 17576681; PubMed 9536098.

NM_032119.4(ADGRV1):c.5664+6T>C

Gene: ADGRV1 (adhesion G protein-coupled receptor V1; plus strand). Cytogenetic location: 5q14.3.
Variant type: single nucleotide variant.
Coding change: c.5664+6T>C on transcript NM_032119.4 (MANE Select); 6 bases into the intron after coding-DNA position 5664, T replaced by C.
Molecular consequence: intron variant.
Genome position (GRCh38, 1-based): chr5:90,681,460, T>C. VCF-style: chr5-90681460-T-C. GRCh37 (hg19) VCF-style: chr5-89977277-T-C.
Identifiers: ClinVar variation 1503223 (VCV001503223.6), dbSNP rs757541691, ClinGen allele CA3339633.